The following is an entry in ClinVar:

ClinVar aggregate classification (germline): Uncertain significance (1 of 4 stars; one submission).

Conditions:
Inborn genetic diseases. Identifiers: MedGen C0950123, MeSH D030342.

Submission:

Ambry Genetics
Classification: Uncertain significance for Inborn genetic diseases. Last evaluated: 2024-03-06. Review status: criteria provided, single submitter. Criteria: Ambry Variant Classification Scheme 2023. Collection method: clinical testing. Allele origin: germline.
Comment: The p.D626A variant (also known as c.1877A>C), located in coding exon 8 of the ATR gene, results from an A to C substitution at nucleotide position 1877. The aspartic acid at codon 626 is replaced by alanine, an amino acid with dissimilar properties. This amino acid position is conserved. In addition, this alteration is predicted to be tolerated by in silico analysis. Based on the available evidence, the clinical significance of this alteration remains unclear.

NM_001184.4(ATR):c.1877A>C (p.Asp626Ala)

Gene: ATR (ATR checkpoint kinase; minus strand). Cytogenetic location: 3q23.
Variant type: single nucleotide variant.
Coding change: c.1877A>C on transcript NM_001184.4 (MANE Select); coding-DNA position 1877, A replaced by C.
Protein change: p.Asp626Ala; replaces aspartic acid 626 with alanine.
Molecular consequence: missense variant.
Genome position (GRCh38, 1-based): chr3:142,558,632, T>G on the plus strand (A>C on the coding strand, the complement: ATR is on the minus strand). VCF-style: chr3-142558632-T-G. GRCh37 (hg19) VCF-style: chr3-142277474-T-G.
Other names: c.1685A>C, p.Asp562Ala (NM_001354579.2); short protein forms D562A, D626A.
Identifiers: ClinVar variation 3221066 (VCV003221066.1), dbSNP rs1020231215, ClinGen allele CA84752652.